The following is an entry in ClinVar:

ClinVar aggregate classification (germline): Uncertain significance (1 of 4 stars; one submission).

Submission:

Ambry Genetics
Classification: Uncertain significance. Last evaluated: 2026-05-17. Review status: criteria provided, single submitter. Criteria: Ambry Variant Classification Scheme 2023. Collection method: clinical testing. Allele origin: germline.
Comment: The p.C451R variant (also known as c.1351T>C), located in coding exon 8 of the RNF43 gene, results from a T to C substitution at nucleotide position 1351. The cysteine at codon 451 is replaced by arginine, an amino acid with highly dissimilar properties. This amino acid position is conserved. In addition, this alteration is predicted to be tolerated by in silico analysis. Based on the available evidence, the clinical significance of this variant remains unclear.

NM_017763.6(RNF43):c.1351T>C (p.Cys451Arg)

Gene: RNF43 (ring finger protein 43; minus strand). Cytogenetic location: 17q22.
Variant type: single nucleotide variant.
Coding change: c.1351T>C on transcript NM_017763.6 (MANE Select); coding-DNA position 1351, T replaced by C.
Protein change: p.Cys451Arg; replaces cysteine 451 with arginine.
Molecular consequence: missense variant.
Genome position (GRCh38, 1-based): chr17:58,358,425, A>G on the plus strand (T>C on the coding strand, the complement: RNF43 is on the minus strand). VCF-style: chr17-58358425-A-G. GRCh37 (hg19) VCF-style: chr17-56435786-A-G.
Other names: c.1351T>C, p.Cys451Arg (NM_001305544.3, NM_001438820.1, NM_001438821.1 and 1 more transcripts); c.970T>C, p.Cys324Arg (NM_001305545.2, NM_001437987.1); short protein forms C324R, C451R.
Identifiers: ClinVar variation 4863418 (VCV004863418.1).